The following is an entry in ClinVar:

NM_003334.4(UBA1):c.587+3G>A

Gene: UBA1 (ubiquitin like modifier activating enzyme 1; plus strand). Cytogenetic location: Xp11.3.
Variant type: single nucleotide variant.
Coding change: c.587+3G>A on transcript NM_003334.4 (MANE Select); 3 bases into the intron after coding-DNA position 587, G replaced by A.
Molecular consequence: intron variant.
Genome position (GRCh38, 1-based): chrX:47,201,003, G>A. VCF-style: chrX-47201003-G-A. GRCh37 (hg19) VCF-style: chrX-47060402-G-A.
Other names: c.587+3G>A (NM_153280.3).
Identifiers: ClinVar variation 1364023 (VCV001364023.6), dbSNP rs782499064, ClinGen allele CA10395709.

ClinVar aggregate classification (germline): Uncertain significance (1 of 4 stars; one submission).

Conditions:
Infantile-onset X-linked spinal muscular atrophy. Also called: SPINAL MUSCULAR ATROPHY, X-LINKED LETHAL INFANTILE; AMC, DISTAL, X-LINKED; ARTHROGRYPOSIS, X-LINKED, TYPE I; Spinal Muscular Atrophy, X-Linked Infantile; Spinal muscular atrophy, X-linked 2. Identifiers: Orphanet 1145, MedGen C1844934, MONDO:0010532, OMIM 301830.

Allele frequency attached by ClinVar (database versions not stated): TOPMed below 0.00001; gnomAD exomes 0.00001.
gnomAD v4.1: 7 of 1,183,753 alleles (0.00059%); highest among the groups gnomAD compares: Non-Finnish European, 0.00068%; no homozygotes.

Submission:

Labcorp Genetics (formerly Invitae), Labcorp
Classification: Uncertain significance for Infantile-onset X-linked spinal muscular atrophy. Last evaluated: 2024-04-11. Review status: criteria provided, single submitter. Criteria: Invitae Variant Classification Sherloc (09022015). Collection method: clinical testing. Allele origin: germline.
Comment: This sequence change falls in intron 6 of the UBA1 gene. It does not directly change the encoded amino acid sequence of the UBA1 protein. It affects a nucleotide within the consensus splice site. This variant is not present in population databases (gnomAD no frequency). This variant has not been reported in the literature in individuals affected with UBA1-related conditions. ClinVar contains an entry for this variant (Variation ID: 1364023). Variants that disrupt the consensus splice site are a relatively common cause of aberrant splicing (PMID: 17576681, 9536098). Algorithms developed to predict the effect of sequence changes on RNA splicing suggest that this variant is not likely to affect RNA splicing. In summary, the available evidence is currently insufficient to determine the role of this variant in disease. Therefore, it has been classified as a Variant of Uncertain Significance.

Literature cited by the submitters: PubMed 17576681; PubMed 9536098.